The following is an entry in ClinVar:

ClinVar aggregate classification (germline): Likely benign (0 of 4 stars; one submission).

Conditions:
PLXNA3-related disorder. Also called: PLXNA3-related condition.

Allele frequency attached by ClinVar (database versions not stated): 1000 Genomes Project 30x 0.00021; 1000 Genomes Project 0.00026; gnomAD 0.00042; ExAC 0.00047; ESP Exome Variant Server 0.00067.
gnomAD v4.1: 285 of 1,086,285 alleles (0.026%); highest among the groups gnomAD compares: African/African-American, 0.067%; no homozygotes.

Submission:

PreventionGenetics, part of Exact Sciences
Classification: Likely benign for PLXNA3-related condition. Last evaluated: 2021-07-26. Review status: no assertion criteria provided. Collection method: clinical testing. Allele origin: germline.
Comment: This variant is classified as likely benign based on ACMG/AMP sequence variant interpretation guidelines (Richards et al. 2015 PMID: 25741868, with internal and published modifications).

NM_017514.5(PLXNA3):c.594C>T (p.Leu198=)

Gene: PLXNA3 (plexin A3; plus strand). Cytogenetic location: Xq28.
Variant type: single nucleotide variant.
Coding change: c.594C>T on transcript NM_017514.5 (MANE Select); coding-DNA position 594, C replaced by T.
Protein change: p.Leu198=; no amino-acid change (leucine 198 retained).
Molecular consequence: synonymous variant.
Genome position (GRCh38, 1-based): chrX:154,460,777, C>T. VCF-style: chrX-154460777-C-T. GRCh37 (hg19) VCF-style: chrX-153689117-C-T.
Identifiers: ClinVar variation 3048104 (VCV003048104.2), dbSNP rs6643608, ClinGen allele CA10563732.